The following is an entry in ClinVar:

ClinVar aggregate classification (germline): Uncertain significance (1 of 4 stars; one submission).

Submission:

GeneDx
Classification: Uncertain significance. Last evaluated: 2025-01-07. Review status: criteria provided, single submitter. Criteria: GeneDx Variant Classification Process June 2021. Collection method: clinical testing. Allele origin: germline.
Comment: Not observed at significant frequency in large population cohorts (gnomAD); In silico analysis supports a deleterious effect on splicing; Has not been previously published as pathogenic or benign to our knowledge

NM_004408.4(DNM1):c.1493+4A>T

Gene: DNM1 (dynamin 1; plus strand). Cytogenetic location: 9q34.11.
Variant type: single nucleotide variant.
Coding change: c.1493+4A>T on transcript NM_004408.4 (MANE Select); 4 bases into the intron after coding-DNA position 1493, A replaced by T.
Molecular consequence: intron variant.
Genome position (GRCh38, 1-based): chr9:128,239,519, A>T. VCF-style: chr9-128239519-A-T. GRCh37 (hg19) VCF-style: chr9-131001798-A-T.
Other names: c.1493+4A>T (NM_001005336.3, NM_001374269.1, NM_001288738.2 and 2 more transcripts).
Identifiers: ClinVar variation 2573694 (VCV002573694.2), dbSNP rs2539062331, ClinGen allele CA2580616328.
Genomic context (GRCh38, chr9:128,239,519, plus strand): 5'-CGATATCGAGCTGGCTTACATGAACACCAACCATGAGGACTTCATAGGCTTTGCCAAGTG[A>T]GTGCTCCCCCAGGCAAAAAGTGAGTGCTCCCTGGGCAGAGAAGGTAACGTGTGTGTGTGT-3'